The following is an entry in ClinVar:

ClinVar aggregate classification (germline): Benign/Likely benign. Review status: criteria provided, multiple submitters, no conflicts (2 of 4 stars). 3 submissions from 3 submitters: Benign (1); Likely benign (2). Last evaluated 2025-03-28.

Conditions:
Hereditary cancer-predisposing syndrome. Also called: Tumor predisposition; Neoplastic Syndromes, Hereditary; Hereditary Cancer Syndrome; Hereditary neoplastic syndrome. Identifiers: Orphanet 140162, MedGen C0027672, MeSH D009386, MONDO:0015356.
Peutz-Jeghers syndrome (PJS). Also called: POLYPOSIS, HAMARTOMATOUS INTESTINAL; POLYPS-AND-SPOTS SYNDROME; Peutz-Jeghers polyposis; Periorificial lentiginosis syndrome. Identifiers: Orphanet 2869, MedGen C0031269, MeSH D010580, MONDO:0008280, OMIM 175200.

Allele frequency attached by ClinVar (database versions not stated): TOPMed below 0.00001; gnomAD 0.00001.
gnomAD v4.1: 1 of 1,608,334 alleles (0.000062%); highest among the groups gnomAD compares: Non-Finnish European, 0.000085%; no homozygotes.

Submissions (3):

Myriad Genetics, Inc.
Classification: Benign for Peutz-Jeghers syndrome. Last evaluated: 2025-03-28. Review status: criteria provided, single submitter. Criteria: Myriad Autosomal Dominant, Autosomal Recessive and X-Linked Classification Criteria (2023). Collection method: clinical testing. Allele origin: unknown.
Comment: This variant is considered benign. This variant is a silent/synonymous amino acid change and it is not expected to impact splicing.

Labcorp Genetics (formerly Invitae), Labcorp
Classification: Likely benign for Peutz-Jeghers syndrome. Last evaluated: 2021-05-12. Review status: criteria provided, single submitter. Criteria: Invitae Variant Classification Sherloc (09022015). Collection method: clinical testing. Allele origin: germline.

Ambry Genetics
Classification: Likely benign for Hereditary cancer-predisposing syndrome. Last evaluated: 2017-05-08. Review status: criteria provided, single submitter. Criteria: Ambry Variant Classification Scheme 2023. Collection method: clinical testing. Allele origin: germline.

NM_000455.5(STK11):c.1011G>A (p.Val337=)

Genes: STK11 (serine/threonine kinase 11; plus strand), LOC130062899 (ATAC-STARR-seq lymphoblastoid active region 13597; plus strand). Cytogenetic location: 19p13.3.
Variant type: single nucleotide variant.
Coding change: c.1011G>A on transcript NM_000455.5 (MANE Select); coding-DNA position 1011, G replaced by A.
Protein change: p.Val337=; no amino-acid change (valine 337 retained).
Molecular consequence: synonymous variant.
Genome position (GRCh38, 1-based): chr19:1,223,075, G>A. VCF-style: chr19-1223075-G-A. GRCh37 (hg19) VCF-style: chr19-1223074-G-A.
Identifiers: ClinVar variation 486525 (VCV000486525.15), dbSNP rs1555739249, ClinGen allele CA504707769.